The following is an entry in ClinVar:

ClinVar aggregate classification (germline): Pathogenic (1 of 4 stars; one submission).

Conditions:
Multiple congenital anomalies-hypotonia-seizures syndrome 1 (MCAHS1). Also called: PIGN-CDG; Congenital disorder of glycosylation due to PIGN deficiency; GLYCOSYLPHOSPHATIDYLINOSITOL BIOSYNTHESIS DEFECT 3. Identifiers: Orphanet 280633, MedGen C3279775, MONDO:0013563, OMIM 614080.

Submission:

Labcorp Genetics (formerly Invitae), Labcorp
Classification: Pathogenic for Multiple congenital anomalies-hypotonia-seizures syndrome 1. Last evaluated: 2023-04-18. Review status: criteria provided, single submitter. Criteria: Invitae Variant Classification Sherloc (09022015). Collection method: clinical testing. Allele origin: germline.
Comment: For these reasons, this variant has been classified as Pathogenic. This sequence change creates a premature translational stop signal (p.Ile213*) in the PIGN gene. It is expected to result in an absent or disrupted protein product. Loss-of-function variants in PIGN are known to be pathogenic (PMID: 24253414, 27038415). This variant is not present in population databases (gnomAD no frequency). This variant has not been reported in the literature in individuals affected with PIGN-related conditions.

Literature cited by the submitters: PubMed 24253414; PubMed 27038415.

NM_176787.5(PIGN):c.637del (p.Gly212_Ile213insTer)

Gene: PIGN (phosphatidylinositol glycan anchor biosynthesis class N; minus strand). Cytogenetic location: 18q21.33.
Variant type: Deletion.
Coding change: c.637del on transcript NM_176787.5 (MANE Select); coding-DNA position 637, one base deleted (A; older notation c.637delA).
Protein change: p.Gly212_Ile213insTer.
Molecular consequence: nonsense.
Genome position (GRCh38, 1-based): chr18:62,148,251, T deleted on the plus strand (A on the coding strand, the reverse complement: PIGN is on the minus strand); the first of 2 consecutive T bases (chr18:62,148,251-62,148,252); deleting either gives the same sequence. VCF-style (leftmost placement, unchanged base first): chr18-62148250-AT-A. GRCh37 (hg19) VCF-style: chr18-59815483-AT-A.
Other names: c.637del, p.Gly212_Ile213insTer (NM_012327.6).
Identifiers: ClinVar variation 2857166 (VCV002857166.3), dbSNP rs2513983289, ClinGen allele CA2739276319.